The following is an entry in ClinVar:

NM_000283.4(PDE6B):c.1164C>A (p.Ile388=)

Gene: PDE6B (phosphodiesterase 6B; plus strand). Cytogenetic location: 4p16.3.
Variant type: single nucleotide variant.
Coding change: c.1164C>A on transcript NM_000283.4 (MANE Select); coding-DNA position 1164, C replaced by A.
Protein change: p.Ile388=; no amino-acid change (isoleucine 388 retained).
Molecular consequence: synonymous variant.
Genome position (GRCh38, 1-based): chr4:656,930, C>A. VCF-style: chr4-656930-C-A. GRCh37 (hg19) VCF-style: chr4-650719-C-A.
Other names: c.1164C>A, p.Ile388= (NM_001145291.2); c.327C>A, p.Ile109= (NM_001145292.2, NM_001350154.3, NM_001379246.1 and 1 more transcripts); c.9C>A, p.Ile3= (NM_001350155.3).
Identifiers: ClinVar variation 1505356 (VCV001505356.8), dbSNP rs779243382, ClinGen allele CA437895731.

ClinVar aggregate classification (germline): Uncertain significance (1 of 4 stars; one submission).

gnomAD v4.1: 1 of 1,612,920 alleles (0.000062%); highest among the groups gnomAD compares: Non-Finnish European, 0.000085%; no homozygotes.

Submission:

Labcorp Genetics (formerly Invitae), Labcorp
Classification: Uncertain significance. Last evaluated: 2022-07-19. Review status: criteria provided, single submitter. Criteria: Invitae Variant Classification Sherloc (09022015). Collection method: clinical testing. Allele origin: germline.
Comment: In summary, the available evidence is currently insufficient to determine the role of this variant in disease. Therefore, it has been classified as a Variant of Uncertain Significance. Algorithms developed to predict the effect of sequence changes on RNA splicing suggest that this variant may create or strengthen a splice site. ClinVar contains an entry for this variant (Variation ID: 1505356). This variant has not been reported in the literature in individuals affected with PDE6B-related conditions. This variant is not present in population databases (gnomAD no frequency). This sequence change affects codon 388 of the PDE6B mRNA. It is a 'silent' change, meaning that it does not change the encoded amino acid sequence of the PDE6B protein.